The following is an entry in ClinVar:

ClinVar aggregate classification (germline): Uncertain significance (1 of 4 stars; one submission).

Conditions:
Hereditary cancer-predisposing syndrome. Also called: Tumor predisposition; Hereditary Cancer Syndrome; Hereditary neoplastic syndrome; Neoplastic Syndromes, Hereditary. Identifiers: Orphanet 140162, MedGen C0027672, MeSH D009386, MONDO:0015356.

Submission:

Ambry Genetics
Classification: Uncertain significance for Hereditary cancer-predisposing syndrome. Last evaluated: 2025-10-01. Review status: criteria provided, single submitter. Criteria: Ambry Variant Classification Scheme 2023. Collection method: clinical testing. Allele origin: germline.
Comment: The p.N226H variant (also known as c.676A>C), located in coding exon 5 of the STK11 gene, results from an A to C substitution at nucleotide position 676. The asparagine at codon 226 is replaced by histidine, an amino acid with similar properties. This amino acid position is conserved. In addition, the in silico prediction for this alteration is inconclusive. Based on the available evidence, the clinical significance of this variant remains unclear.

NM_000455.5(STK11):c.676A>C (p.Asn226His)

Gene: STK11 (serine/threonine kinase 11; plus strand). Cytogenetic location: 19p13.3.
Variant type: single nucleotide variant.
Coding change: c.676A>C on transcript NM_000455.5 (MANE Select); coding-DNA position 676, A replaced by C.
Protein change: p.Asn226His; replaces asparagine 226 with histidine.
Molecular consequence: missense variant. On other transcripts: non-coding transcript variant (1).
Genome position (GRCh38, 1-based): chr19:1,220,659, A>C. VCF-style: chr19-1220659-A-C. GRCh37 (hg19) VCF-style: chr19-1220658-A-C.
Other names: c.676A>C, p.Asn226His (NM_001407255.1); short protein forms N226H.
Identifiers: ClinVar variation 4551266 (VCV004551266.1).